The following is an entry in ClinVar:

ClinVar aggregate classification (germline): Uncertain significance (1 of 4 stars; one submission).

Submission:

Labcorp Genetics (formerly Invitae), Labcorp
Classification: Uncertain significance. Last evaluated: 2022-05-16. Review status: criteria provided, single submitter. Criteria: Invitae Variant Classification Sherloc (09022015). Collection method: clinical testing. Allele origin: germline.
Comment: In summary, the available evidence is currently insufficient to determine the role of this variant in disease. Therefore, it has been classified as a Variant of Uncertain Significance. Algorithms developed to predict the effect of missense changes on protein structure and function are either unavailable or do not agree on the potential impact of this missense change (SIFT: "Not Available"; PolyPhen-2: "Probably Damaging"; Align-GVGD: "Not Available"). This variant has not been reported in the literature in individuals affected with TOP3A-related conditions. This variant is not present in population databases (gnomAD no frequency). This sequence change replaces histidine, which is basic and polar, with tyrosine, which is neutral and polar, at codon 992 of the TOP3A protein (p.His992Tyr).

NM_004618.5(TOP3A):c.2974C>T (p.His992Tyr)

Gene: TOP3A (DNA topoisomerase III alpha; minus strand). Cytogenetic location: 17p11.2.
Variant type: single nucleotide variant.
Coding change: c.2974C>T on transcript NM_004618.5 (MANE Select); coding-DNA position 2974, C replaced by T.
Protein change: p.His992Tyr; replaces histidine 992 with tyrosine.
Molecular consequence: missense variant.
Genome position (GRCh38, 1-based): chr17:18,274,834, G>A on the plus strand (C>T on the coding strand, the complement: TOP3A is on the minus strand). VCF-style: chr17-18274834-G-A. GRCh37 (hg19) VCF-style: chr17-18178148-G-A.
Other names: c.2689C>T, p.His897Tyr (NM_001320759.2); short protein forms H897Y, H992Y.
Identifiers: ClinVar variation 2135680 (VCV002135680.4), dbSNP rs2545585065, ClinGen allele CA398620882.